The following is an entry in ClinVar:

ClinVar aggregate classification (germline): Pathogenic (1 of 4 stars; one submission).

Conditions:
Trichorhinophalangeal dysplasia type I (TRPS1). Also called: TRICHORHINOPHALANGEAL SYNDROME, TYPE I; TRPS I. Identifiers: Orphanet 77258, MedGen C0432233, MONDO:0008596, OMIM 190350.
Trichorhinophalangeal syndrome, type III (TRPS3). Also called: SUGIO-KAJII SYNDROME. Identifiers: Orphanet 77258, MedGen C1860823, OMIM 190351, MONDO:0008597.

Submission:

Labcorp Genetics (formerly Invitae), Labcorp
Classification: Pathogenic for Trichorhinophalangeal syndrome, type III; Trichorhinophalangeal dysplasia type I. Last evaluated: 2022-11-28. Review status: criteria provided, single submitter. Criteria: Invitae Variant Classification Sherloc (09022015). Collection method: clinical testing. Allele origin: germline.
Comment: For these reasons, this variant has been classified as Pathogenic. This sequence change creates a premature translational stop signal (p.Trp794*) in the TRPS1 gene. It is expected to result in an absent or disrupted protein product. Loss-of-function variants in TRPS1 are known to be pathogenic (PMID: 11112658). This variant is not present in population databases (gnomAD no frequency). This variant has not been reported in the literature in individuals affected with TRPS1-related conditions.

Literature cited by the submitters: PubMed 11112658.

NM_014112.5(TRPS1):c.2381G>A (p.Trp794Ter)

Gene: TRPS1 (transcriptional repressor GATA binding 1; minus strand). Cytogenetic location: 8q23.3.
Variant type: single nucleotide variant.
Coding change: c.2381G>A on transcript NM_014112.5 (MANE Select); coding-DNA position 2381, G replaced by A.
Protein change: p.Trp794Ter; replaces tryptophan 794 with a stop codon.
Molecular consequence: nonsense.
Genome position (GRCh38, 1-based): chr8:115,587,320, C>T on the plus strand (G>A on the coding strand, the complement: TRPS1 is on the minus strand). VCF-style: chr8-115587320-C-T. GRCh37 (hg19) VCF-style: chr8-116599547-C-T.
Other names: c.2354G>A, p.Trp785Ter (NM_001282902.3); c.2360G>A, p.Trp787Ter (NM_001282903.3); c.2342G>A, p.Trp781Ter (NM_001330599.2); short protein forms W781*, W787*, W794*, W785*.
Identifiers: ClinVar variation 2941893 (VCV002941893.3), dbSNP rs2536861441, ClinGen allele CA372065230.